The following is an entry in ClinVar:

NM_007294.4(BRCA1):c.157A>C (p.Asn53His)

Gene: BRCA1 (BRCA1 DNA repair associated; minus strand). Cytogenetic location: 17q21.31.
Variant type: single nucleotide variant.
Coding change: c.157A>C on transcript NM_007294.4 (MANE Select); coding-DNA position 157, A replaced by C.
Protein change: p.Asn53His; replaces asparagine 53 with histidine.
Molecular consequence: missense variant. On other transcripts: non-coding transcript variant (1).
Genome position (GRCh38, 1-based): chr17:43,106,511, T>G on the plus strand (A>C on the coding strand, the complement: BRCA1 is on the minus strand). VCF-style: chr17-43106511-T-G. GRCh37 (hg19) VCF-style: chr17-41258528-T-G.
Other names: c.-32A>C (NM_001407571.1, NM_001407853.1, NM_001407879.1 and 58 more transcripts); c.157A>C, p.Asn53His (NM_001407581.1, NM_001407582.1, NM_001407583.1 and 168 more transcripts); c.16A>C, p.Asn6His (NM_001407692.1, NM_001407694.1, NM_001407695.1 and 99 more transcripts); short protein forms N53H, N6H.
Identifiers: ClinVar variation 867895 (VCV000867895.3), dbSNP rs2054788992, ClinGen allele CA10601844.

Conditions:
Breast-ovarian cancer, familial, susceptibility to, 1 (BROVCA1). Also called: BRCA1 Hereditary Breast and Ovarian Cancer; OVARIAN CANCER, SUSCEPTIBILITY TO. Identifiers: Orphanet 145, MedGen C2676676, MONDO:0011450, OMIM 604370. Disease mechanism: loss of function.

Submission:

Brotman Baty Institute, University of Washington
No classification provided (evidence only). Condition: Breast-ovarian cancer, familial 1. Review status: no classification provided. Collection method: in vitro. Allele origin: not applicable. Functional consequence: functionally_normal.
ClinVar note: "not provided" was previously submitted as the classification for the variant. However, the classification appeared to be based only on an observation of functional data so it was converted to no classification on 2025-07-30.